The following is an entry in ClinVar:

ClinVar aggregate classification (germline): Likely pathogenic (1 of 4 stars; one submission).

Conditions:
Hereditary cancer-predisposing syndrome. Also called: Tumor predisposition; Neoplastic Syndromes, Hereditary; Hereditary Cancer Syndrome; Hereditary neoplastic syndrome. Identifiers: Orphanet 140162, MedGen C0027672, MeSH D009386, MONDO:0015356.

Submission:

Ambry Genetics
Classification: Likely pathogenic for Hereditary cancer-predisposing syndrome. Last evaluated: 2024-12-11. Review status: criteria provided, single submitter. Criteria: Ambry Variant Classification Scheme 2023. Collection method: clinical testing. Allele origin: germline.
Comment: The c.3939_3942delTCAAinsAAT variant, located in coding exon 9 of the MSH6 gene, results from the deletion of 4 nucleotides (TCAA) and insertion of 3 nucleotides (AAT) causing a translational frameshift with a predicted alternate stop codon (p.Q1314Ifs*13). This alteration occurs at the 3' terminus of theMSH6 gene, is not expected to trigger nonsense-mediated mRNA decay, and impacts the last 3% of the protein. However, premature stop codons are typically deleterious in nature and the impacted region is critical for protein function (Ambry internal data). This variant is considered to be rare based on population cohorts in the Genome Aggregation Database (gnomAD). Based on the majority of available evidence to date, this variant is likely to be pathogenic.

NM_000179.3(MSH6):c.3939_3942delinsAAT (p.Gln1314fs)

Gene: MSH6 (mutS homolog 6; plus strand). Cytogenetic location: 2p16.3.
Variant type: Indel.
Coding change: c.3939_3942delinsAAT on transcript NM_000179.3 (MANE Select); coding-DNA positions 3939 to 3942, TCAA replaced by AAT.
Protein change: p.Gln1314fs; shifts the reading frame from glutamine 1314.
Molecular consequence: frameshift variant. On other transcripts: nonsense (1), non-coding transcript variant (5), intron variant (1).
Genome position (GRCh38, 1-based): chr2:47,806,589-47,806,592, TCAA replaced by AAT. VCF-style: chr2-47806589-TCAA-AAT. GRCh37 (hg19) VCF-style: chr2-48033728-TCAA-AAT.
Other names: c.3549_3552delinsAAT, p.Gln1184fs (NM_001281492.2); c.3033_3036delinsAAT, p.Gln1012fs (NM_001281493.2, NM_001281494.2, NM_001406811.1 and 6 more transcripts); c.4035_4038delinsAAT, p.Gln1346fs (NM_001406795.1); c.3939_3942delinsAAT, p.Gln1314fs (NM_001406796.1, NM_001406808.1, NM_001406809.1); c.3642_3645delinsAAT, p.Gln1215fs (NM_001406797.1, NM_001406801.1, NM_001406805.1 and 10 more transcripts); c.3765_3768delinsAAT, p.Gln1256fs (NM_001406798.1); c.3414_3417delinsAAT, p.Gln1139fs (NM_001406799.1, NM_001406806.1, NM_001406807.1); c.3926_3929delinsAAT, p.Phe1309_Lys1310delinsTer (NM_001406800.1); and 9 more; short protein forms Q1258fs, Q1346fs, Q241fs, Q792fs, Q1026fs, Q1256fs, Q1314fs, Q1316fs.
Identifiers: ClinVar variation 3875050 (VCV003875050.1).